The following is an entry in ClinVar:

ClinVar aggregate classification (germline): Uncertain significance. Review status: criteria provided, multiple submitters, no conflicts (2 of 4 stars). 2 submissions from 2 submitters: Uncertain significance (2). Last evaluated 2025-05-25.

Allele frequency attached by ClinVar (database versions not stated): gnomAD exomes 0.00005; gnomAD 0.00001; TOPMed 0.00005.
gnomAD v4.1: 73 of 1,613,892 alleles (0.0045%); highest among the groups gnomAD compares: Non-Finnish European, 0.0058%; no homozygotes.

Submissions (2):

Ambry Genetics
Classification: Uncertain significance. Last evaluated: 2025-05-25. Review status: criteria provided, single submitter. Criteria: Ambry Variant Classification Scheme 2023. Collection method: clinical testing. Allele origin: germline.

Labcorp Genetics (formerly Invitae), Labcorp
Classification: Uncertain significance. Last evaluated: 2022-04-28. Review status: criteria provided, single submitter. Criteria: Invitae Variant Classification Sherloc (09022015). Collection method: clinical testing. Allele origin: germline.
Comment: In summary, the available evidence is currently insufficient to determine the role of this variant in disease. Therefore, it has been classified as a Variant of Uncertain Significance. Algorithms developed to predict the effect of missense changes on protein structure and function output the following: SIFT: "Deleterious"; PolyPhen-2: "Possibly Damaging"; Align-GVGD: "Class C0". The leucine amino acid residue is found in multiple mammalian species, which suggests that this missense change does not adversely affect protein function. This sequence change replaces serine, which is neutral and polar, with leucine, which is neutral and non-polar, at codon 511 of the KIAA0556 protein (p.Ser511Leu). This variant is present in population databases (no rsID available, gnomAD 0.002%). This variant has not been reported in the literature in individuals affected with KIAA0556-related conditions.

NM_015202.5(KATNIP):c.1532C>T (p.Ser511Leu)

Genes: KATNIP (katanin interacting protein; plus strand), LOC100128079 (uncharacterized LOC100128079; minus strand). Cytogenetic location: 16p12.1.
Variant type: single nucleotide variant.
Coding change: c.1532C>T on transcript NM_015202.5 (MANE Select); coding-DNA position 1532, C replaced by T.
Protein change: p.Ser511Leu; replaces serine 511 with leucine.
Molecular consequence: missense variant. On other transcripts: non-coding transcript variant (1).
Genome position (GRCh38, 1-based): chr16:27,708,847, C>T. VCF-style: chr16-27708847-C-T. GRCh37 (hg19) VCF-style: chr16-27720168-C-T.
Other names: c.1532C>T (NM_015202.2); short protein forms S511L.
Identifiers: ClinVar variation 2173490 (VCV002173490.4), dbSNP rs1338729673, ClinGen allele CA395314467.